The following is an entry in ClinVar:

NM_001276270.2(MBD4):c.1684G>C (p.Asp562His)

Gene: MBD4 (methyl-CpG binding domain 4, DNA glycosylase; minus strand). Cytogenetic location: 3q21.3.
Variant type: single nucleotide variant.
Coding change: c.1684G>C on transcript NM_001276270.2 (MANE Select); coding-DNA position 1684, G replaced by C.
Protein change: p.Asp562His; replaces aspartic acid 562 with histidine.
Molecular consequence: missense variant. On other transcripts: 3 prime UTR variant (1).
Genome position (GRCh38, 1-based): chr3:129,431,542, C>G on the plus strand (G>C on the coding strand, the complement: MBD4 is on the minus strand). VCF-style: chr3-129431542-C-G. GRCh37 (hg19) VCF-style: chr3-129150385-C-G.
Other names: c.*26G>C (NM_001276272.2); c.748G>C, p.Asp250His (NM_001276273.2); c.1702G>C, p.Asp568His (NM_003925.3); short protein forms D568H, D562H, D250H.
Identifiers: ClinVar variation 218624 (VCV000218624.36), dbSNP rs2307293, ClinGen allele CA249067.

ClinVar aggregate classification (germline): Conflicting classifications of pathogenicity. Review status: criteria provided, conflicting classifications (1 of 4 stars). 8 submissions from 8 submitters: Uncertain significance (2); Benign (2); Likely benign (4). Last evaluated 2026-09-01.

Conditions:
Tumor predisposition syndrome 2 (TPDS2). Also called: MBD4-ASSOCIATED NEOPLASIA SYNDROME; MBD4-Related Tumor Predisposition Syndrome; MBD4-associated neoplasia syndrome (MANS). Identifiers: Orphanet 661526, MedGen C5774186, MONDO:0859267, OMIM 619975.
Inborn genetic diseases. Identifiers: MedGen C0950123, MeSH D030342.

Allele frequency attached by ClinVar (database versions not stated): 1000 Genomes Project 0.00419; 1000 Genomes Project 30x 0.00437; ESP Exome Variant Server 0.00438; gnomAD 0.00496 and 0.00504; gnomAD exomes 0.00530 and 0.00737; ExAC 0.00539; TOPMed 0.00551.
gnomAD v4.1: 11,588 of 1,613,132 alleles (0.72%); highest among the groups gnomAD compares: South Asian, 1.1%; 71 homozygotes.

Submissions (8):

CeGaT Center for Human Genetics Tuebingen
Classification: Benign. Last evaluated: 2026-09-01. Review status: criteria provided, single submitter. Criteria: CeGaT Center For Human Genetics Tuebingen Variant Classification Criteria Version 2. Collection method: clinical testing. Allele origin: germline. Affected: yes. Observed: 65 variant alleles.
Comment: MBD4: BP4, BS1, BS2

Myriad Genetics, Inc.
Classification: Likely benign for Tumor predisposition syndrome 2. Last evaluated: 2026-06-09. Review status: criteria provided, single submitter. Criteria: Myriad Autosomal Dominant, Autosomal Recessive and X-Linked Classification Criteria (2023). Collection method: clinical testing. Allele origin: unknown.
Comment: This variant is considered likely benign. This variant has been observed at a population frequency that is significantly greater than expected given the associated disease prevalence and penetrance.

Labcorp Genetics (formerly Invitae), Labcorp
Classification: Benign. Last evaluated: 2026-02-04. Review status: criteria provided, single submitter. Criteria: Invitae Variant Classification Sherloc (09022015). Collection method: clinical testing. Allele origin: germline.

ARUP Laboratories, Molecular Genetics and Genomics, ARUP Laboratories
Classification: Likely benign. Last evaluated: 2025-01-28. Review status: criteria provided, single submitter. Criteria: ARUP Molecular Germline Variant Investigation Process 2024. Collection method: clinical testing. Allele origin: germline.

Ambry Genetics
Classification: Likely benign for Inborn genetic diseases. Last evaluated: 2024-10-29. Review status: criteria provided, single submitter. Criteria: Ambry Variant Classification Scheme 2023. Collection method: clinical testing. Allele origin: germline.

GeneDx
Classification: Uncertain significance. Last evaluated: 2024-07-03. Review status: criteria provided, single submitter. Criteria: GeneDx Variant Classification Process June 2021. Collection method: clinical testing. Allele origin: germline. Affected: yes.
Comment: Reported in association with multiple miscarriages and with uveal melanoma (PMID: 25504873, 32421892); In silico analysis supports that this missense variant has a deleterious effect on protein structure/function; This variant is associated with the following publications: (PMID: 27932076, 23195996, 16418580, 36835215, 26503472, 12935920, 32421892, 32227657, 29293537, 20052722, 25504873)

Genetic Services Laboratory, University of Chicago
Classification: Likely benign. Last evaluated: 2021-12-17. Review status: criteria provided, single submitter. Criteria: ACMG Guidelines, 2015. Collection method: clinical testing. Allele origin: germline. Affected: no.

Genomic Diagnostic Laboratory, Division of Genomic Diagnostics, Children's Hospital of Philadelphia
Classification: Uncertain significance. Last evaluated: 2015-03-25. Review status: criteria provided, single submitter. Criteria: DGD Variant Analysis Guidelines. Collection method: clinical testing. Allele origin: unknown.